The following is an entry in ClinVar:

ClinVar aggregate classification (germline): Uncertain significance (1 of 4 stars; one submission).

Conditions:
Multiple congenital exostosis (EXT). Also called: Multiple exostoses; MULTIPLE CARTILAGINOUS EXOSTOSES; Hereditary multiple exostoses; Hereditary multiple exostosis; Hereditary multiple osteochondromas; Multiple osteochondromas. Identifiers: Orphanet 321, MedGen C0015306, MONDO:0005508, HP:0002762.

Allele frequency attached by ClinVar (database versions not stated): TOPMed below 0.00001; gnomAD 0.00001.
gnomAD v4.1: 5 of 1,613,134 alleles (0.00031%); highest among the groups gnomAD compares: Non-Finnish European, 0.00042%; no homozygotes.

Submission:

Labcorp Genetics (formerly Invitae), Labcorp
Classification: Uncertain significance for Multiple congenital exostosis. Last evaluated: 2023-07-10. Review status: criteria provided, single submitter. Criteria: Invitae Variant Classification Sherloc (09022015). Collection method: clinical testing. Allele origin: germline.
Comment: This sequence change replaces tyrosine, which is neutral and polar, with cysteine, which is neutral and slightly polar, at codon 468 of the EXT1 protein (p.Tyr468Cys). ClinVar contains an entry for this variant (Variation ID: 1357351). Advanced modeling of protein sequence and biophysical properties (such as structural, functional, and spatial information, amino acid conservation, physicochemical variation, residue mobility, and thermodynamic stability) performed at Invitae indicates that this missense variant is expected to disrupt EXT1 protein function. This variant has not been reported in the literature in individuals affected with EXT1-related conditions. This variant is not present in population databases (gnomAD no frequency). In summary, the available evidence is currently insufficient to determine the role of this variant in disease. Therefore, it has been classified as a Variant of Uncertain Significance.

NM_000127.3(EXT1):c.1403A>G (p.Tyr468Cys)

Gene: EXT1 (exostosin glycosyltransferase 1; minus strand). Cytogenetic location: 8q24.11.
Variant type: single nucleotide variant.
Coding change: c.1403A>G on transcript NM_000127.3 (MANE Select); coding-DNA position 1403, A replaced by G.
Protein change: p.Tyr468Cys; replaces tyrosine 468 with cysteine.
Molecular consequence: missense variant.
Genome position (GRCh38, 1-based): chr8:117,822,479, T>C on the plus strand (A>G on the coding strand, the complement: EXT1 is on the minus strand). VCF-style: chr8-117822479-T-C. GRCh37 (hg19) VCF-style: chr8-118834718-T-C.
Other names: short protein forms Y468C.
Identifiers: ClinVar variation 1357351 (VCV001357351.8), dbSNP rs1375505148, ClinGen allele CA371887127.